The following is an entry in ClinVar:

NM_006182.4(DDR2):c.1358T>C (p.Met453Thr)

Gene: DDR2 (discoidin domain receptor tyrosine kinase 2; plus strand). Cytogenetic location: 1q23.3.
Variant type: single nucleotide variant.
Coding change: c.1358T>C on transcript NM_006182.4 (MANE Select); coding-DNA position 1358, T replaced by C.
Protein change: p.Met453Thr; replaces methionine 453 with threonine.
Molecular consequence: missense variant.
Genome position (GRCh38, 1-based): chr1:162,770,366, T>C. VCF-style: chr1-162770366-T-C. GRCh37 (hg19) VCF-style: chr1-162740156-T-C.
Other names: c.1358T>C, p.Met453Thr (NM_001014796.3, NM_001354982.2, NM_001354983.2); short protein forms M453T.
Identifiers: ClinVar variation 4750789 (VCV004750789.1).

ClinVar aggregate classification (germline): Uncertain significance (1 of 4 stars; one submission).

gnomAD v4.1: 2 of 1,614,136 alleles (0.00012%); highest among the groups gnomAD compares: East Asian, 0.0022%; no homozygotes.

Submission:

Labcorp Genetics (formerly Invitae), Labcorp
Classification: Uncertain significance. Last evaluated: 2026-01-01. Review status: criteria provided, single submitter. Criteria: Invitae Variant Classification Sherloc (09022015). Collection method: clinical testing. Allele origin: germline.
Comment: This sequence change replaces methionine, which is neutral and non-polar, with threonine, which is neutral and polar, at codon 453 of the DDR2 protein (p.Met453Thr). This variant is present in population databases (rs767190591, gnomAD 0.005%). This variant has not been reported in the literature in individuals affected with DDR2-related conditions. An algorithm developed to predict the effect of missense changes on protein structure and function (PolyPhen-2) suggests that this variant is likely to be tolerated. In summary, the available evidence is currently insufficient to determine the role of this variant in disease. Therefore, it has been classified as a Variant of Uncertain Significance.